The following is an entry in ClinVar:

NM_032830.3(UTP4):c.1888T>C (p.Ser630Pro)

Gene: UTP4 (UTP4 small subunit processome component). Cytogenetic location: 16q22.1.
Variant type: single nucleotide variant.
Coding change: c.1888T>C on transcript NM_032830.3 (MANE Select); coding-DNA position 1888, T replaced by C.
Protein change: p.Ser630Pro; replaces serine 630 with proline.
Molecular consequence: missense variant.
Genome position (GRCh38, 1-based): chr16:69,167,129, T>C. VCF-style: chr16-69167129-T-C. GRCh37 (hg19) VCF-style: chr16-69201032-T-C.
Other names: c.1639T>C, p.Ser547Pro (NM_001318391.2); short protein forms S547P, S630P.
Identifiers: ClinVar variation 4989845 (VCV004989845.1).

ClinVar aggregate classification (germline): Uncertain significance (1 of 4 stars; one submission).

Conditions:
UTP4-related disorder. Also called: UTP4-related condition.

gnomAD v4.1: 34 of 1,613,944 alleles (0.0021%); highest among the groups gnomAD compares: Admixed American, 0.012%; no homozygotes.

Submission:

PreventionGenetics, part of Exact Sciences
Classification: Uncertain significance for UTP4-related condition. Last evaluated: 2026-02-18. Review status: criteria provided, single submitter. Criteria: ACMG Guidelines, 2015. Collection method: clinical testing. Allele origin: germline.
Comment: The UTP4 c.1888T>C variant is predicted to result in the amino acid substitution p.Ser630Pro. To our knowledge, this variant has not been reported in the literature. This variant is reported in 0.012% of alleles in individuals of Latino descent in gnomAD. At this time, the clinical significance of this variant is uncertain due to the absence of conclusive functional and genetic evidence.